The following is an entry in ClinVar:

NM_022114.4(PRDM16):c.1187-77T>C

Gene: PRDM16 (PR/SET domain 16; plus strand). Cytogenetic location: 1p36.32.
Variant type: single nucleotide variant.
Coding change: c.1187-77T>C on transcript NM_022114.4 (MANE Select); 77 bases into the intron before coding-DNA position 1187, T replaced by C.
Molecular consequence: intron variant.
Genome position (GRCh38, 1-based): chr1:3,411,307, T>C. VCF-style: chr1-3411307-T-C. GRCh37 (hg19) VCF-style: chr1-3327871-T-C.
Other names: c.1187-77T>C (NM_199454.3).
Identifiers: ClinVar variation 676376 (VCV000676376.2), dbSNP rs116395931, ClinGen allele CA16965829.

ClinVar aggregate classification (germline): Benign. Review status: criteria provided, multiple submitters, no conflicts (2 of 4 stars). 2 submissions from 2 submitters: Benign (2). Last evaluated 2018-06-18.

Allele frequency attached by ClinVar (database versions not stated): gnomAD 0.02916 and 0.03123; 1000 Genomes Project 0.03355; TOPMed 0.03401; 1000 Genomes Project 30x 0.03685.
gnomAD v4.1: 8,092 of 1,492,460 alleles (0.54%); highest among the groups gnomAD compares: African/African-American, 9.9%; 355 homozygotes.

Submissions (2):

GeneDx
Classification: Benign. Last evaluated: 2018-06-18. Review status: criteria provided, single submitter. Criteria: GeneDx Variant Classification (06012015). Collection method: clinical testing. Allele origin: germline. Affected: yes.
Comment: This variant is considered likely benign or benign based on one or more of the following criteria: it is a conservative change, it occurs at a poorly conserved position in the protein, it is predicted to be benign by multiple in silico algorithms, and/or has population frequency not consistent with disease.

Breakthrough Genomics
Classification: Benign. Review status: criteria provided, single submitter. Criteria: ACMG Guidelines, 2015. Collection method: not provided. Allele origin: germline. Inheritance: Autosomal dominant inheritance. Affected: yes.